The following is an entry in ClinVar:

NM_004667.6(HERC2):c.2604G>A (p.Thr868=)

Gene: HERC2 (HECT and RLD domain containing E3 ubiquitin protein ligase 2; minus strand). Cytogenetic location: 15q13.1.
Variant type: single nucleotide variant.
Coding change: c.2604G>A on transcript NM_004667.6 (MANE Select); coding-DNA position 2604, G replaced by A.
Protein change: p.Thr868=; no amino-acid change (threonine 868 retained).
Molecular consequence: synonymous variant.
Genome position (GRCh38, 1-based): chr15:28,256,231, C>T on the plus strand (G>A on the coding strand, the complement: HERC2 is on the minus strand). VCF-style: chr15-28256231-C-T. GRCh37 (hg19) VCF-style: chr15-28501377-C-T.
Identifiers: ClinVar variation 3051924 (VCV003051924.2), dbSNP rs139718674, ClinGen allele CA7443154.
Genomic context (GRCh38, chr15:28,256,231, plus strand): 5'-GGCCTGGGCGGCCGACTGCACGGTGCTCAGCACGCCCGCACTGCTGGCCAGGGTCACCAC[C>T]GTCTGCTTCAGGCTGTTCAGGAGGATGCTGCCCAGACCTAAACCAAGGAATTCCGGGTCA-3'
Protein context (NP_004658.3, residues 858-878): GSILLNSLKQ[Thr868=]VVTLASSAGV

ClinVar aggregate classification (germline): Likely benign (0 of 4 stars; one submission).

Conditions:
HERC2-related disorder. Also called: HERC2-related condition.

Allele frequency attached by ClinVar (database versions not stated): ExAC 0.00001; gnomAD 0.00001.
gnomAD v4.1: 23 of 1,599,718 alleles (0.0014%); highest among the groups gnomAD compares: African/African-American, 0.0053%; no homozygotes.

Submission:

PreventionGenetics, part of Exact Sciences
Classification: Likely benign for HERC2-related condition. Last evaluated: 2019-03-18. Review status: no assertion criteria provided. Collection method: clinical testing. Allele origin: germline.
Comment: This variant is classified as likely benign based on ACMG/AMP sequence variant interpretation guidelines (Richards et al. 2015 PMID: 25741868, with internal and published modifications).